The following is an entry in ClinVar:

ClinVar aggregate classification (germline): Conflicting classifications of pathogenicity. Review status: criteria provided, conflicting classifications (1 of 4 stars). 3 submissions from 3 submitters: Uncertain significance (1); Likely benign (2). Last evaluated 2026-07-17.

Conditions:
BAAT-related disorder. Also called: BAAT-related condition.

Allele frequency attached by ClinVar (database versions not stated): ExAC 0.00003; gnomAD exomes 0.00003; TOPMed 0.00004; ESP Exome Variant Server 0.00008.
gnomAD v4.1: 113 of 1,612,974 alleles (0.007%); highest among the groups gnomAD compares: Middle Eastern, 0.016%; no homozygotes.

Submissions (3):

PreventionGenetics, part of Exact Sciences
Classification: Likely benign for BAAT-related condition. Last evaluated: 2026-07-17. Review status: criteria provided, single submitter. Criteria: ACMG Guidelines, 2015. Collection method: clinical testing. Allele origin: germline.
Comment: This variant is classified as likely benign based on ACMG/AMP sequence variant interpretation guidelines (Richards et al. 2015 PMID: 25741868, with internal and published modifications).

Labcorp Genetics (formerly Invitae), Labcorp
Classification: Likely benign. Last evaluated: 2026-02-01. Review status: criteria provided, single submitter. Criteria: Invitae Variant Classification Sherloc (09022015). Collection method: clinical testing. Allele origin: germline.

Eurofins Ntd Llc (ga)
Classification: Uncertain significance. Last evaluated: 2018-01-29. Review status: criteria provided, single submitter. Criteria: EGL Classification Definitions 2015. Collection method: clinical testing. Allele origin: germline. Observed: 1 variant allele, 1 heterozygote.

NM_001701.4(BAAT):c.165C>T (p.Phe55=)

Gene: BAAT (bile acid-CoA:amino acid N-acyltransferase; minus strand). Cytogenetic location: 9q31.1.
Variant type: single nucleotide variant.
Coding change: c.165C>T on transcript NM_001701.4 (MANE Select); coding-DNA position 165, C replaced by T.
Protein change: p.Phe55=; no amino-acid change (phenylalanine 55 retained).
Molecular consequence: synonymous variant.
Genome position (GRCh38, 1-based): chr9:101,371,240, G>A on the plus strand (C>T on the coding strand, the complement: BAAT is on the minus strand). VCF-style: chr9-101371240-G-A. GRCh37 (hg19) VCF-style: chr9-104133522-G-A.
Other names: c.165C>T, p.Phe55= (NM_001127610.2, NM_001374715.1).
Identifiers: ClinVar variation 595901 (VCV000595901.11), dbSNP rs377631387, ClinGen allele CA5160768.